The following is an entry in ClinVar:

ClinVar aggregate classification (germline): Uncertain significance (1 of 4 stars; one submission).

Conditions:
Achondrogenesis, type IB (ACG1B). Also called: Achondrogenesis Type 1B. Identifiers: Orphanet 932, Orphanet 93298, MedGen C0265274, MONDO:0010966, OMIM 600972.
Atelosteogenesis type II (AO2). Also called: NEONATAL OSSEOUS DYSPLASIA I; Neonatal osseous dysplasia 1; SLC26A2-Related Atelosteogenesis. Identifiers: Orphanet 56304, MedGen C1850554, MONDO:0009727, OMIM 256050.
Diastrophic dysplasia (DTD). Also called: Diastrophic dwarfism. Identifiers: Orphanet 628, MedGen C0220726, MONDO:0009107, OMIM 222600.
Multiple epiphyseal dysplasia type 4 (EDM4). Also called: SLC26A2-Related Multiple Epiphyseal Dysplasia; Multiple Epiphyseal Dysplasia, Recessive; MULTIPLE EPIPHYSEAL DYSPLASIA WITH BILAYERED PATELLAE; MULTIPLE EPIPHYSEAL DYSPLASIA WITH CLUBFOOT; MULTIPLE EPIPHYSEAL DYSPLASIA, AUTOSOMAL RECESSIVE. Identifiers: Orphanet 93307, MedGen C1847593, MONDO:0009189, OMIM 226900.

Allele frequency attached by ClinVar (database versions not stated): gnomAD exomes below 0.00001.
gnomAD v4.1: 1 of 1,614,086 alleles (0.000062%); highest among the groups gnomAD compares: Admixed American, 0.0017%; no homozygotes.

Submission:

Labcorp Genetics (formerly Invitae), Labcorp
Classification: Uncertain significance for Atelosteogenesis type II; Multiple epiphyseal dysplasia type 4; Achondrogenesis, type IB; Diastrophic dysplasia. Last evaluated: 2021-11-20. Review status: criteria provided, single submitter. Criteria: Invitae Variant Classification Sherloc (09022015). Collection method: clinical testing. Allele origin: germline.
Comment: This sequence change replaces threonine, which is neutral and polar, with asparagine, which is neutral and polar, at codon 289 of the SLC26A2 protein (p.Thr289Asn). This variant is present in population databases (no rsID available, gnomAD 0.003%). This variant has not been reported in the literature in individuals affected with SLC26A2-related conditions. Algorithms developed to predict the effect of missense changes on protein structure and function are either unavailable or do not agree on the potential impact of this missense change (SIFT: "Deleterious"; PolyPhen-2: "Probably Damaging"; Align-GVGD: "Class C0"). In summary, the available evidence is currently insufficient to determine the role of this variant in disease. Therefore, it has been classified as a Variant of Uncertain Significance.

NM_000112.4(SLC26A2):c.866C>A (p.Thr289Asn)

Gene: SLC26A2 (solute carrier family 26 member 2; plus strand). Cytogenetic location: 5q32.
Variant type: single nucleotide variant.
Coding change: c.866C>A on transcript NM_000112.4 (MANE Select); coding-DNA position 866, C replaced by A.
Protein change: p.Thr289Asn; replaces threonine 289 with asparagine.
Molecular consequence: missense variant.
Genome position (GRCh38, 1-based): chr5:149,980,459, C>A. VCF-style: chr5-149980459-C-A. GRCh37 (hg19) VCF-style: chr5-149360022-C-A.
Other names: short protein forms T289N.
Identifiers: ClinVar variation 1407982 (VCV001407982.3), dbSNP rs1225377370, ClinGen allele CA361706446.